The following is an entry in ClinVar:

ClinVar aggregate classification (germline): Likely benign (1 of 4 stars; one submission).

Allele frequency attached by ClinVar (database versions not stated): 1000 Genomes Project 0.00260; 1000 Genomes Project 30x 0.00265; gnomAD 0.00515; TOPMed 0.00545; gnomAD exomes 0.00735.
gnomAD v4.1: 2,615 of 398,370 alleles (0.66%); highest among the groups gnomAD compares: Middle Eastern, 1.7%; 23 homozygotes.

Submission:

CeGaT Center for Human Genetics Tuebingen
Classification: Likely benign. Last evaluated: 2026-09-01. Review status: criteria provided, single submitter. Criteria: CeGaT Center For Human Genetics Tuebingen Variant Classification Criteria Version 2. Collection method: clinical testing. Allele origin: germline. Affected: yes. Observed: 114 variant alleles.
Comment: KCNQ1OT1: BS2; KCNQ1: BS2

NM_000218.3(KCNQ1):c.1394-29190G>C

Genes: KCNQ1 (potassium voltage-gated channel subfamily Q member 1; plus strand), KCNQ1OT1 (KCNQ1 opposite strand/antisense transcript 1; minus strand). Cytogenetic location: 11p15.5.
Variant type: single nucleotide variant.
Coding change: c.1394-29190G>C on transcript NM_000218.3 (MANE Select); 29190 bases into the intron before coding-DNA position 1394, G replaced by C.
Molecular consequence: intron variant.
Genome position (GRCh38, 1-based): chr11:2,632,771, G>C. VCF-style: chr11-2632771-G-C. GRCh37 (hg19) VCF-style: chr11-2654001-G-C.
Other names: c.1124-29190G>C (NM_001406837.1); c.1298-29190G>C (NM_001406836.1); c.854-29190G>C (NM_001406838.1); c.1013-29190G>C (NM_181798.2).
Identifiers: ClinVar variation 1711279 (VCV001711279.30), dbSNP rs151297763, ClinGen allele CA216146605.